The following is an entry in ClinVar:

ClinVar aggregate classification (germline): Uncertain significance. Review status: criteria provided, multiple submitters, no conflicts (2 of 4 stars). 3 submissions from 3 submitters: Uncertain significance (3). Last evaluated 2026-03-10.

Conditions:
Inborn genetic diseases. Identifiers: MedGen C0950123, MeSH D030342.

Allele frequency attached by ClinVar (database versions not stated): ExAC below 0.00001; gnomAD exomes 0.00001; TOPMed 0.00001.
gnomAD v4.1: 4 of 1,208,214 alleles (0.00033%); highest among the groups gnomAD compares: Non-Finnish European, 0.00045%; no homozygotes.

Submissions (3):

Ambry Genetics
Classification: Uncertain significance for Inborn genetic diseases. Last evaluated: 2026-03-10. Review status: criteria provided, single submitter. Criteria: Ambry Variant Classification Scheme 2023. Collection method: clinical testing. Allele origin: germline.

Labcorp Genetics (formerly Invitae), Labcorp
Classification: Uncertain significance. Last evaluated: 2023-08-11. Review status: criteria provided, single submitter. Criteria: Invitae Variant Classification Sherloc (09022015). Collection method: clinical testing. Allele origin: germline.
Comment: Advanced modeling of protein sequence and biophysical properties (such as structural, functional, and spatial information, amino acid conservation, physicochemical variation, residue mobility, and thermodynamic stability) performed at Invitae indicates that this missense variant is expected to disrupt CACNA1F protein function. In summary, the available evidence is currently insufficient to determine the role of this variant in disease. Therefore, it has been classified as a Variant of Uncertain Significance. ClinVar contains an entry for this variant (Variation ID: 963937). This variant has not been reported in the literature in individuals affected with CACNA1F-related conditions. The frequency data for this variant in the population databases is considered unreliable, as metrics indicate poor data quality at this position in the gnomAD database. This sequence change replaces arginine, which is basic and polar, with tryptophan, which is neutral and slightly polar, at codon 1302 of the CACNA1F protein (p.Arg1302Trp).

Blueprint Genetics
Classification: Uncertain significance. Last evaluated: 2020-09-16. Review status: criteria provided, single submitter. Criteria: ACMG Guidelines, 2015. Collection method: clinical testing. Allele origin: germline.

NM_001256789.3(CACNA1F):c.3871C>T (p.Arg1291Trp)

Gene: CACNA1F (calcium voltage-gated channel subunit alpha1 F; minus strand). Cytogenetic location: Xp11.23.
Variant type: single nucleotide variant.
Coding change: c.3871C>T on transcript NM_001256789.3 (MANE Select); coding-DNA position 3871, C replaced by T.
Protein change: p.Arg1291Trp; replaces arginine 1291 with tryptophan.
Molecular consequence: missense variant.
Genome position (GRCh38, 1-based): chrX:49,212,738, G>A on the plus strand (C>T on the coding strand, the complement: CACNA1F is on the minus strand). VCF-style: chrX-49212738-G-A. GRCh37 (hg19) VCF-style: chrX-49069198-G-A.
Other names: c.3709C>T, p.Arg1237Trp (NM_001256790.3); c.3904C>T, p.Arg1302Trp (NM_005183.4); c.3904C>T (NM_005183.2); short protein forms R1237W, R1291W, R1302W.
Identifiers: ClinVar variation 963937 (VCV000963937.10), dbSNP rs782005253, ClinGen allele CA10410336.
Genomic context (GRCh38, chrX:49,212,738, plus strand): 5'-TGATGAATGTCCAGAGCAATGTGCGGATCCCTTCACCCTTACTGAGAAGCTTGACCAGCC[G>A]CATAACTCGGAAGAGGCGAAAGAAGGTAATGGAAATGCGGGAGCTGTCCTCAGAGCTCTG-3'
Protein context (NP_001243718.1, residues 1281-1301): ITFFRLFRVM[Arg1291Trp]LVKLLSKGEG